The following is an entry in ClinVar:

ClinVar aggregate classification (germline): Uncertain significance. Review status: criteria provided, multiple submitters, no conflicts (2 of 4 stars). 2 submissions from 2 submitters: Uncertain significance (2). Last evaluated 2022-07-16.

Conditions:
Aicardi-Goutieres syndrome 3. Identifiers: Orphanet 51, MedGen C1835916, MONDO:0012471, OMIM 610329.

Allele frequency attached by ClinVar (database versions not stated): gnomAD exomes 0.00002 and 0.00006; TOPMed 0.00007; ExAC 0.00012.

Submissions (2):

Labcorp Genetics (formerly Invitae), Labcorp
Classification: Uncertain significance for Aicardi-Goutieres syndrome 3. Last evaluated: 2022-07-16. Review status: criteria provided, single submitter. Criteria: Invitae Variant Classification Sherloc (09022015). Collection method: clinical testing. Allele origin: germline.
Comment: This sequence change replaces alanine, which is neutral and non-polar, with glycine, which is neutral and non-polar, at codon 19 of the RNASEH2C protein (p.Ala19Gly). This variant is present in population databases (rs773830258, gnomAD 0.04%). This variant has not been reported in the literature in individuals affected with RNASEH2C-related conditions. ClinVar contains an entry for this variant (Variation ID: 582219). Algorithms developed to predict the effect of missense changes on protein structure and function output the following: SIFT: "Tolerated"; PolyPhen-2: "Benign"; Align-GVGD: "Class C0". The glycine amino acid residue is found in multiple mammalian species, which suggests that this missense change does not adversely affect protein function. In summary, the available evidence is currently insufficient to determine the role of this variant in disease. Therefore, it has been classified as a Variant of Uncertain Significance.

Baylor Genetics
Classification: Uncertain significance for Aicardi-Goutieres syndrome 3. Last evaluated: 2018-06-28. Review status: criteria provided, single submitter. Criteria: ACMG Guidelines, 2015. Collection method: clinical testing. Allele origin: maternal. Affected: yes.
Comment: This variant was determined to be of uncertain significance according to ACMG Guidelines, 2015 [PMID:25741868].

NM_032193.4(RNASEH2C):c.56C>G (p.Ala19Gly)

Genes: RNASEH2C (ribonuclease H2 subunit C; minus strand), LOC130006061 (ATAC-STARR-seq lymphoblastoid silent region 3553; plus strand). Cytogenetic location: 11q13.1.
Variant type: single nucleotide variant.
Coding change: c.56C>G on transcript NM_032193.4 (MANE Select); coding-DNA position 56, C replaced by G.
Protein change: p.Ala19Gly; replaces alanine 19 with glycine.
Molecular consequence: missense variant.
Genome position (GRCh38, 1-based): chr11:65,720,703, G>C on the plus strand (C>G on the coding strand, the complement: RNASEH2C is on the minus strand). VCF-style: chr11-65720703-G-C. GRCh37 (hg19) VCF-style: chr11-65488174-G-C.
Other names: short protein forms A19G.
Identifiers: ClinVar variation 582219 (VCV000582219.7), dbSNP rs773830258, ClinGen allele CA6107843.